The following is an entry in ClinVar:

NM_001297.5(CNGB1):c.3063G>T (p.Thr1021=)

Gene: CNGB1 (cyclic nucleotide gated channel subunit beta 1; minus strand). Cytogenetic location: 16q21.
Variant type: single nucleotide variant.
Coding change: c.3063G>T on transcript NM_001297.5 (MANE Select); coding-DNA position 3063, G replaced by T.
Protein change: p.Thr1021=; no amino-acid change (threonine 1021 retained).
Molecular consequence: synonymous variant.
Genome position (GRCh38, 1-based): chr16:57,897,828, C>A on the plus strand (G>T on the coding strand, the complement: CNGB1 is on the minus strand). VCF-style: chr16-57897828-C-A. GRCh37 (hg19) VCF-style: chr16-57931732-C-A.
Other names: c.3045G>T, p.Thr1015= (NM_001286130.2).
Identifiers: ClinVar variation 5001754 (VCV005001754.1).

ClinVar aggregate classification (germline): Likely benign (1 of 4 stars; one submission).

Conditions:
CNGB1-related disorder. Also called: CNGB1-related condition.

gnomAD v4.1: 3 of 1,614,116 alleles (0.00019%); highest among the groups gnomAD compares: Non-Finnish European, 0.00025%; no homozygotes.

Submission:

PreventionGenetics, part of Exact Sciences
Classification: Likely benign for CNGB1-related condition. Last evaluated: 2025-01-31. Review status: criteria provided, single submitter. Criteria: ACMG Guidelines, 2015. Collection method: clinical testing. Allele origin: germline.
Comment: This variant is classified as likely benign based on ACMG/AMP sequence variant interpretation guidelines (Richards et al. 2015 PMID: 25741868, with internal and published modifications).